The following is an entry in ClinVar:

ClinVar aggregate classification (germline): Conflicting classifications of pathogenicity. Review status: criteria provided, conflicting classifications (1 of 4 stars). 3 submissions from 3 submitters: Likely pathogenic (1); Uncertain significance (1). 1 of the submissions does not count toward it. Last evaluated 2025-12-26.

Conditions:
Neurodevelopmental disorder with epilepsy and hemochromatosis (NEDEPH). Identifiers: MedGen CN307964, OMIM 301072.

Allele frequency attached by ClinVar (database versions not stated): gnomAD exomes below 0.00001; ExAC 0.00001.

Submissions (3):

3billion
Classification: Uncertain significance for Neurodevelopmental disorder with epilepsy and hemochromatosis. Last evaluated: 2025-12-26. Review status: criteria provided, single submitter. Criteria: ACMG Guidelines, 2015. Collection method: clinical testing. Allele origin: germline. Affected: yes.
Comment: The variant is observed at an extremely low frequency in the gnomAD v4.1.0 dataset (total allele frequency: <0.001%). Predicted Consequence/Location: Missense variant In silico tool predictions suggest damaging effect of the variant on gene or gene product [REVEL: 0.67 (>=0.6, sensitivity 0.68 and specificity 0.92); 3Cnet: 0.80 (> 0.75, sensitivity 0.96 and precision 0.92)]. The same nucleotide change resulting in the same amino acid change has been previously reported to be associated with PIGA-related disorder (ClinVar ID: VCV000810512 /PMID: 34875027). A different missense change at the same codon (p.Arg77Leu) has been reported to be associated with PIGA-related disorder (ClinVar ID: VCV000132816 /PMID: 24706016). However the evidence of pathogenicity is insufficient at this time. Therefore, this variant is classified as VUS according to the recommendation of ACMG/AMP guideline.

CeGaT Center for Human Genetics Tuebingen
Classification: Likely pathogenic. Last evaluated: 2017-05-01. Review status: criteria provided, single submitter. Criteria: CeGaT Center For Human Genetics Tuebingen Variant Classification Criteria Version 2. Collection method: clinical testing. Allele origin: germline. Affected: yes. Observed: 1 variant allele.

OMIM
Classification: Pathogenic for NEURODEVELOPMENTAL DISORDER WITH EPILEPSY AND HEMOCHROMATOSIS. Last evaluated: 2022-04-05. Review status: no assertion criteria provided. Collection method: literature only. Allele origin: germline. Not counted in ClinVar's aggregate classification.

Literature cited by the submitters: PubMed 34875027 (cited by 3billion and OMIM); PubMed 24706016 (cited by 3billion).

NM_002641.4(PIGA):c.230G>A (p.Arg77Gln)

Gene: PIGA (phosphatidylinositol glycan anchor biosynthesis class A; minus strand). Cytogenetic location: Xp22.2.
Variant type: single nucleotide variant.
Coding change: c.230G>A on transcript NM_002641.4 (MANE Select); coding-DNA position 230, G replaced by A.
Protein change: p.Arg77Gln; replaces arginine 77 with glutamine.
Molecular consequence: missense variant. On other transcripts: non-coding transcript variant (1), intron variant (1).
Genome position (GRCh38, 1-based): chrX:15,331,701, C>T on the plus strand (G>A on the coding strand, the complement: PIGA is on the minus strand). VCF-style: chrX-15331701-C-T. GRCh37 (hg19) VCF-style: chrX-15349823-C-T.
Other names: c.13+3800G>A (NM_020473.3); short protein forms R77Q.
Identifiers: ClinVar variation 810512 (VCV000810512.42), dbSNP rs587777398, ClinGen allele CA10354177.